The following is an entry in ClinVar:

ClinVar aggregate classification (germline): Uncertain significance (1 of 4 stars; one submission).

Conditions:
Hereditary cancer-predisposing syndrome. Also called: Neoplastic Syndromes, Hereditary; Hereditary Cancer Syndrome; Tumor predisposition; Hereditary neoplastic syndrome. Identifiers: Orphanet 140162, MedGen C0027672, MeSH D009386, MONDO:0015356.

Submission:

Labcorp Genetics (formerly Invitae), Labcorp
Classification: Uncertain significance for Hereditary cancer-predisposing syndrome. Last evaluated: 2021-12-11. Review status: criteria provided, single submitter. Criteria: Invitae Variant Classification Sherloc (09022015). Collection method: clinical testing. Allele origin: germline.
Comment: In summary, the available evidence is currently insufficient to determine the role of this variant in disease. Therefore, it has been classified as a Variant of Uncertain Significance. Algorithms developed to predict the effect of missense changes on protein structure and function are either unavailable or do not agree on the potential impact of this missense change (SIFT: "Tolerated"; PolyPhen-2: "Probably Damaging"; Align-GVGD: "Class C0"). This variant has not been reported in the literature in individuals affected with RAD50-related conditions. This variant is not present in population databases (gnomAD no frequency). This sequence change replaces asparagine, which is neutral and polar, with serine, which is neutral and polar, at codon 152 of the RAD50 protein (p.Asn152Ser).

NM_005732.4(RAD50):c.455A>G (p.Asn152Ser)

Gene: RAD50 (RAD50 double strand break repair protein; plus strand). Cytogenetic location: 5q31.1.
Variant type: single nucleotide variant.
Coding change: c.455A>G on transcript NM_005732.4 (MANE Select); coding-DNA position 455, A replaced by G.
Protein change: p.Asn152Ser; replaces asparagine 152 with serine.
Molecular consequence: missense variant.
Genome position (GRCh38, 1-based): chr5:132,579,406, A>G. VCF-style: chr5-132579406-A-G. GRCh37 (hg19) VCF-style: chr5-131915098-A-G.
Other names: short protein forms N152S.
Identifiers: ClinVar variation 2040073 (VCV002040073.4), dbSNP rs2479615917, ClinGen allele CA360934201.